The following is an entry in ClinVar:

ClinVar aggregate classification (germline): Uncertain significance (1 of 4 stars; one submission).

Conditions:
Kabuki syndrome. Also called: Kabuki make-up syndrome; NIIKAWA-KUROKI SYNDROME. Identifiers: Orphanet 2322, MedGen C0796004, MONDO:0016512.

gnomAD v4.1: 1 of 1,599,042 alleles (0.000063%); highest among the groups gnomAD compares: Non-Finnish European, 0.000085%; no homozygotes.

Submission:

Labcorp Genetics (formerly Invitae), Labcorp
Classification: Uncertain significance for Kabuki syndrome. Last evaluated: 2024-08-23. Review status: criteria provided, single submitter. Criteria: Invitae Variant Classification Sherloc (09022015). Collection method: clinical testing. Allele origin: germline.
Comment: This sequence change replaces glutamine, which is neutral and polar, with histidine, which is basic and polar, at codon 4101 of the KMT2D protein (p.Gln4101His). This variant is not present in population databases (gnomAD no frequency). This variant has not been reported in the literature in individuals affected with KMT2D-related conditions. Invitae Evidence Modeling of protein sequence and biophysical properties (such as structural, functional, and spatial information, amino acid conservation, physicochemical variation, residue mobility, and thermodynamic stability) indicates that this missense variant is not expected to disrupt KMT2D protein function with a negative predictive value of 95%. In summary, the available evidence is currently insufficient to determine the role of this variant in disease. Therefore, it has been classified as a Variant of Uncertain Significance.

NM_003482.4(KMT2D):c.12303G>C (p.Gln4101His)

Gene: KMT2D (lysine methyltransferase 2D; minus strand). Cytogenetic location: 12q13.12.
Variant type: single nucleotide variant.
Coding change: c.12303G>C on transcript NM_003482.4 (MANE Select); coding-DNA position 12303, G replaced by C.
Protein change: p.Gln4101His; replaces glutamine 4101 with histidine.
Molecular consequence: missense variant.
Genome position (GRCh38, 1-based): chr12:49,032,402, C>G on the plus strand (G>C on the coding strand, the complement: KMT2D is on the minus strand). VCF-style: chr12-49032402-C-G. GRCh37 (hg19) VCF-style: chr12-49426185-C-G.
Other names: short protein forms Q4101H.
Identifiers: ClinVar variation 3619765 (VCV003619765.2).